The following is an entry in ClinVar:

ClinVar aggregate classification (germline): Likely benign. Review status: criteria provided, multiple submitters, no conflicts (2 of 4 stars). 2 submissions from 2 submitters: Likely benign (2). Last evaluated 2026-01-29.

Allele frequency attached by ClinVar (database versions not stated): gnomAD 0.00006; ESP Exome Variant Server 0.00008; TOPMed 0.00011.
gnomAD v4.1: 271 of 1,613,828 alleles (0.017%); highest among the groups gnomAD compares: Non-Finnish European, 0.021%; no homozygotes.

Submissions (2):

Labcorp Genetics (formerly Invitae), Labcorp
Classification: Likely benign. Last evaluated: 2026-01-29. Review status: criteria provided, single submitter. Criteria: Invitae Variant Classification Sherloc (09022015). Collection method: clinical testing. Allele origin: germline.

CeGaT Center for Human Genetics Tuebingen
Classification: Likely benign. Last evaluated: 2025-08-01. Review status: criteria provided, single submitter. Criteria: CeGaT Center For Human Genetics Tuebingen Variant Classification Criteria Version 2. Collection method: clinical testing. Allele origin: germline. Affected: yes. Observed: 1 variant allele.
Comment: HDAC4: BP4, BP7

NM_001378414.1(HDAC4):c.1332C>T (p.His444=)

Gene: HDAC4 (histone deacetylase 4; minus strand). Cytogenetic location: 2q37.3.
Variant type: single nucleotide variant.
Coding change: c.1332C>T on transcript NM_001378414.1 (MANE Select); coding-DNA position 1332, C replaced by T.
Protein change: p.His444=; no amino-acid change (histidine 444 retained).
Molecular consequence: synonymous variant.
Genome position (GRCh38, 1-based): chr2:239,126,657, G>A on the plus strand (C>T on the coding strand, the complement: HDAC4 is on the minus strand). VCF-style: chr2-239126657-G-A. GRCh37 (hg19) VCF-style: chr2-240048353-G-A.
Other names: c.1332C>T, p.His444= (NM_001378415.1); c.1317C>T, p.His439= (NM_001378416.1, NM_001378417.1, NM_006037.4).
Identifiers: ClinVar variation 789384 (VCV000789384.14), dbSNP rs149824763, ClinGen allele CA2199833.